The following is an entry in ClinVar:

NM_182925.5(FLT4):c.89C>T (p.Pro30Leu)

Gene: FLT4 (fms related receptor tyrosine kinase 4; minus strand). Cytogenetic location: 5q35.3.
Variant type: single nucleotide variant.
Coding change: c.89C>T on transcript NM_182925.5 (MANE Select); coding-DNA position 89, C replaced by T.
Protein change: p.Pro30Leu; replaces proline 30 with leucine.
Molecular consequence: missense variant.
Genome position (GRCh38, 1-based): chr5:180,631,748, G>A on the plus strand (C>T on the coding strand, the complement: FLT4 is on the minus strand). VCF-style: chr5-180631748-G-A. GRCh37 (hg19) VCF-style: chr5-180058748-G-A.
Other names: c.89C>T, p.Pro30Leu (NM_001354989.2, NM_002020.5); short protein forms P30L.
Identifiers: ClinVar variation 2636879 (VCV002636879.1), dbSNP rs1764180327, ClinGen allele CA362507406.

ClinVar aggregate classification (germline): Uncertain significance (1 of 4 stars; one submission).

Conditions:
FLT4-related disorder. Also called: FLT4-related condition.

gnomAD v4.1: 1 of 1,607,606 alleles (0.000062%); highest among the groups gnomAD compares: Non-Finnish European, 0.000085%; no homozygotes.

Submission:

PreventionGenetics, part of Exact Sciences
Classification: Uncertain significance for FLT4-related condition. Last evaluated: 2022-09-02. Review status: criteria provided, single submitter. Criteria: ACMG Guidelines, 2015. Collection method: clinical testing. Allele origin: germline.
Comment: The FLT4 c.89C>T variant is predicted to result in the amino acid substitution p.Pro30Leu. This variant was reported in an individual with tetralogy of Fallot (Table S4 - Page et al. 2019. PubMed ID: 30582441). Additionally, a different missense variant affecting the same amino acid (p.Pro30Arg) has been reported in an individual with tetralogy of Fallot (Table S4 - Page et al. 2019. PubMed ID: 30582441). This variant has not been reported in a large population database, indicating this variant is rare. At this time, the clinical significance of this variant is uncertain due to the absence of conclusive functional and genetic evidence.